The following is an entry in ClinVar:

NM_001195248.2(APTX):c.593C>T (p.Ala198Val)

Gene: APTX (aprataxin; minus strand). Cytogenetic location: 9p21.1.
Variant type: single nucleotide variant.
Coding change: c.593C>T on transcript NM_001195248.2 (MANE Select); coding-DNA position 593, C replaced by T.
Protein change: p.Ala198Val; replaces alanine 198 with valine.
Molecular consequence: missense variant. On other transcripts: non-coding transcript variant (9).
Genome position (GRCh38, 1-based): chr9:32,984,808, G>A on the plus strand (C>T on the coding strand, the complement: APTX is on the minus strand). VCF-style: chr9-32984808-G-A. GRCh37 (hg19) VCF-style: chr9-32984806-G-A.
Other names: c.593C>T, p.Ala198Val (NM_001195249.2, NM_175069.3, NM_175073.3 and 6 more transcripts); c.431C>T, p.Ala144Val (NM_001369001.1, NM_001195250.2, NM_001195254.2 and 1 more transcripts); c.329C>T, p.Ala110Val (NM_001369002.1, NM_001369003.1, NM_001369004.1 and 5 more transcripts); c.377C>T, p.Ala126Val (NM_001195252.2); c.593C>T (NM_175073.2); short protein forms A110V, A126V, A144V, A198V.
Identifiers: ClinVar variation 994780 (VCV000994780.6), dbSNP rs748165574, ClinGen allele CA5022363.

ClinVar aggregate classification (germline): Likely pathogenic. Review status: criteria provided, multiple submitters, no conflicts (2 of 4 stars). 3 submissions from 3 submitters: Likely pathogenic (3). Last evaluated 2022-01-27.

Conditions:
Ataxia, early-onset, with oculomotor apraxia and hypoalbuminemia (EAOH). Also called: Ataxia-oculomotor apraxia type 1; ATAXIA-OCULOMOTOR APRAXIA SYNDROME; ATAXIA-TELANGIECTASIA-LIKE SYNDROME. Identifiers: Orphanet 1168, MedGen C1859598, MONDO:0008842, OMIM 208920.

Allele frequency attached by ClinVar (database versions not stated): TOPMed below 0.00001; gnomAD 0.00001; gnomAD exomes 0.00001; ExAC 0.00002.
gnomAD v4.1: 5 of 1,614,090 alleles (0.00031%); highest among the groups gnomAD compares: Admixed American, 0.0017%; no homozygotes.

Submissions (3):

Revvity Omics, Revvity
Classification: Likely pathogenic for Ataxia, early-onset, with oculomotor apraxia and hypoalbuminemia. Last evaluated: 2022-01-27. Review status: criteria provided, single submitter. Criteria: ACMG Guidelines, 2015. Collection method: clinical testing. Allele origin: germline.

Suna and Inan Kirac Foundation Neurodegeneration Research Laboratory, Koc University
Classification: Likely pathogenic for Ataxia, early-onset, with oculomotor apraxia and hypoalbuminemia. Last evaluated: 2022-01-07. Review status: criteria provided, single submitter. Criteria: ACMG Guidelines, 2015. Collection method: research. Allele origin: germline. Affected: yes and no. Observed: 16 variant alleles.

Athena Diagnostics
Classification: Likely pathogenic. Last evaluated: 2020-08-20. Review status: criteria provided, single submitter. Criteria: Athena Diagnostics Criteria. Collection method: clinical testing. Allele origin: unknown.
Comment: The frequency of this variant in the general population is consistent with pathogenicity. Found in at least one patient with expected phenotype for this gene. Predicted to have a damaging effect on the protein. Located in potentially critical domain of the protein. In multiple individuals, this variant has been seen with a single recessive pathogenic variant in the same gene, suggesting this variant may also be pathogenic. Assessment of experimental evidence on protein functions were inconclusive.

Literature cited by the submitters: PubMed 33624863 (cited by Suna and Inan Kirac Foundation Neurodegeneration Research Laboratory, Koc University); PubMed 14506070 (cited by Athena Diagnostics); PubMed 15790557 (cited by Athena Diagnostics); PubMed 29356829 (cited by Athena Diagnostics); PubMed 29934293 (cited by Athena Diagnostics); PubMed 24362567 (cited by Athena Diagnostics); PubMed 21984210 (cited by Athena Diagnostics); PubMed 17242337 (cited by Athena Diagnostics); PubMed 18004640 (cited by Athena Diagnostics); PubMed 15596775 (cited by Athena Diagnostics); PubMed 18403580 (cited by Athena Diagnostics).